The following is an entry in ClinVar:

ClinVar aggregate classification (germline): Uncertain significance (1 of 4 stars; one submission).

Allele frequency attached by ClinVar (database versions not stated): gnomAD exomes below 0.00001; TOPMed below 0.00001; ExAC 0.00002; ESP Exome Variant Server 0.00008.
gnomAD v4.1: 4 of 1,614,048 alleles (0.00025%); highest among the groups gnomAD compares: South Asian, 0.0011%; no homozygotes.

Submission:

Labcorp Genetics (formerly Invitae), Labcorp
Classification: Uncertain significance. Last evaluated: 2024-03-04. Review status: criteria provided, single submitter. Criteria: Invitae Variant Classification Sherloc (09022015). Collection method: clinical testing. Allele origin: germline.
Comment: This sequence change replaces leucine, which is neutral and non-polar, with phenylalanine, which is neutral and non-polar, at codon 1220 of the IARS protein (p.Leu1220Phe). This variant is present in population databases (rs368874334, gnomAD 0.007%). This variant has not been reported in the literature in individuals affected with IARS-related conditions. ClinVar contains an entry for this variant (Variation ID: 1928553). An algorithm developed to predict the effect of missense changes on protein structure and function (PolyPhen-2) suggests that this variant is likely to be disruptive. In summary, the available evidence is currently insufficient to determine the role of this variant in disease. Therefore, it has been classified as a Variant of Uncertain Significance.

NM_002161.6(IARS1):c.3658C>T (p.Leu1220Phe)

Gene: IARS1 (isoleucyl-tRNA synthetase 1; minus strand). Cytogenetic location: 9q22.31.
Variant type: single nucleotide variant.
Coding change: c.3658C>T on transcript NM_002161.6 (MANE Select); coding-DNA position 3658, C replaced by T.
Protein change: p.Leu1220Phe; replaces leucine 1220 with phenylalanine.
Molecular consequence: missense variant. On other transcripts: non-coding transcript variant (1), intron variant (1).
Genome position (GRCh38, 1-based): chr9:92,222,568, G>A on the plus strand (C>T on the coding strand, the complement: IARS1 is on the minus strand). VCF-style: chr9-92222568-G-A. GRCh37 (hg19) VCF-style: chr9-94984850-G-A.
Other names: c.3583C>T, p.Leu1195Phe (NM_001374299.1, NM_001374300.1); c.3574C>T, p.Leu1192Phe (NM_001374301.1); c.3721C>T, p.Leu1241Phe (NM_001378569.1); c.3679C>T, p.Leu1227Phe (NM_001378571.1, NM_001378572.1); c.3658C>T, p.Leu1220Phe (NM_001378573.1, NM_001378574.1, NM_001378575.1 and 2 more transcripts); c.3616C>T, p.Leu1206Phe (NM_001378577.1); c.3598C>T, p.Leu1200Phe (NM_001378578.1, NM_001378579.1, NM_001378580.1); c.3562C>T, p.Leu1188Phe (NM_001378582.1); and 4 more; short protein forms L1206F, L1241F, L1179F, L1192F, L1227F, L1172F, L1175F, L1188F.
Identifiers: ClinVar variation 1928553 (VCV001928553.5), dbSNP rs368874334, ClinGen allele CA5121801.